The following is an entry in ClinVar:

ClinVar aggregate classification (germline): Likely benign. Review status: criteria provided, multiple submitters, no conflicts (2 of 4 stars). 3 submissions from 3 submitters: Likely benign (3). Last evaluated 2025-10-01.

Conditions:
TRIP12-related disorder. Also called: TRIP12-related condition.

Allele frequency attached by ClinVar (database versions not stated): ExAC 0.00005; gnomAD 0.00008; gnomAD exomes 0.00009; TOPMed 0.00015.
gnomAD v4.1: 145 of 1,614,122 alleles (0.009%); highest among the groups gnomAD compares: Admixed American, 0.018%; no homozygotes.

Submissions (3):

CeGaT Center for Human Genetics Tuebingen
Classification: Likely benign. Last evaluated: 2025-10-01. Review status: criteria provided, single submitter. Criteria: CeGaT Center For Human Genetics Tuebingen Variant Classification Criteria Version 2. Collection method: clinical testing. Allele origin: germline. Affected: yes. Observed: 4 variant alleles.
Comment: TRIP12: BP4, BP7

PreventionGenetics, part of Exact Sciences
Classification: Likely benign for TRIP12-related condition. Last evaluated: 2024-12-14. Review status: criteria provided, single submitter. Criteria: ACMG Guidelines, 2015. Collection method: clinical testing. Allele origin: germline.
Comment: This variant is classified as likely benign based on ACMG/AMP sequence variant interpretation guidelines (Richards et al. 2015 PMID: 25741868, with internal and published modifications).

Blueprint Genetics
Classification: Likely benign. Last evaluated: 2024-11-22. Review status: criteria provided, single submitter. Criteria: ACMG Guidelines, 2015. Collection method: clinical testing. Allele origin: germline.

NM_001348323.3(TRIP12):c.3354A>G (p.Ala1118=)

Gene: TRIP12 (thyroid hormone receptor interactor 12; minus strand). Cytogenetic location: 2q36.3.
Variant type: single nucleotide variant.
Coding change: c.3354A>G on transcript NM_001348323.3 (MANE Select); coding-DNA position 3354, A replaced by G.
Protein change: p.Ala1118=; no amino-acid change (alanine 1118 retained).
Molecular consequence: synonymous variant.
Genome position (GRCh38, 1-based): chr2:229,799,003, T>C on the plus strand (A>G on the coding strand, the complement: TRIP12 is on the minus strand). VCF-style: chr2-229799003-T-C. GRCh37 (hg19) VCF-style: chr2-230663719-T-C.
Other names: c.3273A>G, p.Ala1091= (NM_001284214.2, NM_001348315.2); c.3228A>G, p.Ala1076= (NM_001284215.2, NM_001348316.2, NM_001348317.1 and 1 more transcripts); c.2319A>G, p.Ala773= (NM_001284216.2); c.3354A>G, p.Ala1118= (NM_001348319.1, NM_001348320.2, NM_001348322.1 and 4 more transcripts); c.3357A>G, p.Ala1119= (NM_001348321.1, NM_001348328.1, NM_001348329.2 and 1 more transcripts); c.3147A>G, p.Ala1049= (NM_001348331.1); c.3267A>G, p.Ala1089= (NM_001348332.1); c.3276A>G, p.Ala1092= (NM_001348333.1); and 2 more.
Identifiers: ClinVar variation 1879524 (VCV001879524.31), dbSNP rs530156752, ClinGen allele CA2152776.